The following is an entry in ClinVar:

ClinVar aggregate classification (germline): Uncertain significance (1 of 4 stars; one submission).

Submission:

Labcorp Genetics (formerly Invitae), Labcorp
Classification: Uncertain significance. Last evaluated: 2025-01-30. Review status: criteria provided, single submitter. Criteria: Invitae Variant Classification Sherloc (09022015). Collection method: clinical testing. Allele origin: germline.
Comment: This sequence change replaces alanine, which is neutral and non-polar, with valine, which is neutral and non-polar, at codon 170 of the IHH protein (p.Ala170Val). This variant is not present in population databases (gnomAD no frequency). This variant has not been reported in the literature in individuals affected with IHH-related conditions. Invitae Evidence Modeling of protein sequence and biophysical properties (such as structural, functional, and spatial information, amino acid conservation, physicochemical variation, residue mobility, and thermodynamic stability) indicates that this missense variant is expected to disrupt IHH protein function with a positive predictive value of 80%. In summary, the available evidence is currently insufficient to determine the role of this variant in disease. Therefore, it has been classified as a Variant of Uncertain Significance.

NM_002181.4(IHH):c.509C>T (p.Ala170Val)

Gene: IHH (Indian hedgehog signaling molecule; minus strand). Cytogenetic location: 2q35.
Variant type: single nucleotide variant.
Coding change: c.509C>T on transcript NM_002181.4 (MANE Select); coding-DNA position 509, C replaced by T.
Protein change: p.Ala170Val; replaces alanine 170 with valine.
Molecular consequence: missense variant.
Genome position (GRCh38, 1-based): chr2:219,057,501, G>A on the plus strand (C>T on the coding strand, the complement: IHH is on the minus strand). VCF-style: chr2-219057501-G-A. GRCh37 (hg19) VCF-style: chr2-219922223-G-A.
Other names: short protein forms A170V.
Identifiers: ClinVar variation 3704005 (VCV003704005.2).
Genomic context (GRCh38, chr2:219,057,501, plus strand): 5'-ACGGAGCAATGCACGTGGGCCTTTGACTCGTAATACACCCAGTCAAAGCCGGCCTCCACT[G>A]CCAAGCGCGCCAGCAGTCCATACTTATTGCGGTCGCGGTCTGATGTGGTGATGTCCACCG-3'
Protein context (NP_002172.2, residues 160-180): RNKYGLLARL[Ala170Val]VEAGFDWVYY